The following is an entry in ClinVar:

ClinVar aggregate classification (germline): Pathogenic/Likely pathogenic. Review status: criteria provided, multiple submitters, no conflicts (2 of 4 stars). 15 submissions from 14 submitters: Pathogenic (11); Likely pathogenic (1). 3 of the submissions do not count toward it. Last evaluated 2025-10-01.

Conditions:
Early-infantile DEE. Also called: Ohtahara syndrome; Early infantile epileptic encephalopathy with suppression bursts; Early infantile epileptic encephalopathy. Identifiers: Orphanet 1934, MedGen C0393706, MONDO:0800491.
SCN1A-related disorder. Also called: SCN1A-related disorders; SCN1A-related conditions; SCN1A-related condition.
Developmental and epileptic encephalopathy 6B. Also called: Developmental and epileptic encephalopathy 6B, non-Dravet. Identifiers: MedGen C5543353, MONDO:0030268, OMIM 619317.
Inborn genetic diseases. Identifiers: MedGen C0950123, MeSH D030342.
Generalized epilepsy with febrile seizures plus, type 2 (GEFSP2). Also called: GEFS+, TYPE 2. Identifiers: Orphanet 36387, MedGen C1858673, MONDO:0011461, OMIM 604403.
Severe myoclonic epilepsy in infancy (DRVT). Also called: DEVELOPMENTAL AND EPILEPTIC ENCEPHALOPATHY 6A; Severe Myoclonic Epilepsy in Infancy (SMEI); Epileptic encephalopathy, early infantile, 6 (Dravet syndrome); SEVERE MYOCLONIC EPILEPSY OF INFANCY; Dravet syndrome. Identifiers: Orphanet 33069, MedGen C0751122, MONDO:0100135, OMIM 607208.
Seizure. Also called: Seizures. Identifiers: MedGen C0036572, HP:0001250.

Submissions 1 to 10 of 16:

CeGaT Center for Human Genetics Tuebingen
Classification: Pathogenic. Last evaluated: 2025-10-01. Review status: criteria provided, single submitter. Criteria: CeGaT Center For Human Genetics Tuebingen Variant Classification Criteria Version 2. Collection method: clinical testing. Allele origin: germline. Affected: yes. Observed: 2 variant alleles.
Comment: SCN1A: PM1, PM2, PM5, PS4:Moderate, PP2, PP3, PS3:Supporting

Labcorp Genetics (formerly Invitae), Labcorp
Classification: Pathogenic for Early-infantile DEE. Last evaluated: 2025-08-02. Review status: criteria provided, single submitter. Criteria: Invitae Variant Classification Sherloc (09022015). Collection method: clinical testing. Allele origin: germline.
Comment: This sequence change replaces arginine, which is basic and polar, with histidine, which is basic and polar, at codon 946 of the SCN1A protein (p.Arg946His). This variant is not present in population databases (gnomAD no frequency). This missense change has been observed in individual(s) with SCN1A-related epilepsy (PMID: 14738421, 19589774, 20550552, 21371021, 21864321, 23195492, 27781031). In at least one individual the variant was observed to be de novo. This variant is also known as R936H. ClinVar contains an entry for this variant (Variation ID: 68523). Invitae Evidence Modeling of protein sequence and biophysical properties (such as structural, functional, and spatial information, amino acid conservation, physicochemical variation, residue mobility, and thermodynamic stability) indicates that this missense variant is expected to disrupt SCN1A protein function with a positive predictive value of 95%. Experimental studies have shown that this missense change affects SCN1A function (PMID: 20550552, 21864321). This variant disrupts the p.Arg946 amino acid residue in SCN1A. Other variant(s) that disrupt this residue have been determined to be pathogenic (PMID: 14738421, 21864321). This suggests that this residue is clinically significant, and that variants that disrupt this residue are likely to be disease-causing. For these reasons, this variant has been classified as Pathogenic.

Institute of Human Genetics, University of Leipzig Medical Center
Classification: Pathogenic for Developmental and epileptic encephalopathy 6B. Last evaluated: 2024-08-23. Review status: criteria provided, single submitter. Criteria: ACMG Guidelines, 2015. Collection method: clinical testing. Allele origin: unknown. Affected: yes.
Comment: Criteria applied: PS3,PS4,PM1,PM2,PM5,PP3_MOD

Department of Human Genetics, Hannover Medical School
Classification: Pathogenic for Severe myoclonic epilepsy in infancy. Last evaluated: 2022-08-15. Review status: criteria provided, single submitter. Criteria: ACMG Guidelines, 2015. Collection method: clinical testing. Allele origin: germline. Inheritance: Autosomal dominant inheritance. Affected: yes.

GeneDx
Classification: Pathogenic. Last evaluated: 2022-04-13. Review status: criteria provided, single submitter. Criteria: GeneDx Variant Classification Process June 2021. Collection method: clinical testing. Allele origin: germline. Affected: yes.
Comment: Published functional studies suggest that R946H results in complete loss of function of the Nav1.1 protein (Liao et al., 2010; Volkers et al., 2011); Not observed in large population cohorts (gnomAD); Missense variants in this gene are often considered pathogenic (HGMD); This substitution is predicted to be within the pore forming loop between the S5 and S6 transmembrane segments of the second homologous domain; This variant is associated with the following publications: (PMID: 15508916, 18930999, 15277629, 16713920, 17347258, 16713913, 21371021, 17166794, 20550552, 14738421, 23195492, 21864321, 27781031, 19589774, 28492532, 15944908, 31780880, 32090326, 33851778)

Breakthrough Genomics
Classification: Pathogenic for Developmental and epileptic encephalopathy 6B. Last evaluated: 2021-11-22. Review status: criteria provided, single submitter. Criteria: ACMG Guidelines, 2015. Collection method: clinical testing. Allele origin: germline. Affected: yes.
Comment: This variant (also known as R936H in the literature) was previously reported in several individuals with SCN1A-related epilepsy [PMID: 21864321, 27781031, 23195492, 21371021]. Functional studies have suggested that this variant results in complete loss of SCN1A function in cell culture [PMID: 21864321, 20550552]. In addition, missense variants affecting the same codon of the identified variant (p.R946S; p.R946C) have been reported to be pathogenic [PMID: 21864321, 14738421, 15944908].

Cytogénomique, Hospices Civils de Lyon
Classification: Pathogenic for Seizure. Last evaluated: 2020-11-10. Review status: criteria provided, single submitter. Criteria: ACMG Guidelines, 2015. Collection method: clinical testing. Allele origin: germline. Inheritance: Sporadic. Affected: yes.
Comment: Missense variant predicted pathogenic by bioinformatic scores. Absent from gnomAD but recurrent in the literature.

Blueprint Genetics
Classification: Pathogenic for SCN1A-related disorders. Last evaluated: 2019-12-12. Review status: criteria provided, single submitter. Criteria: ACMG Guidelines, 2015. Collection method: clinical testing. Allele origin: germline. Affected: yes. Observed: 1 variant allele.

Cytogénomique, Hospices Civils de Lyon
Classification: Pathogenic for Generalized epilepsy with febrile seizures plus, type 2. Last evaluated: 2018-08-22. Review status: criteria provided, single submitter. Criteria: ACMG Guidelines, 2015. Collection method: clinical testing. Allele origin: unknown. Inheritance: Autosomal dominant inheritance. Affected: yes.

Ambry Genetics
Classification: Likely pathogenic for Inborn genetic diseases. Last evaluated: 2017-12-14. Review status: criteria provided, single submitter. Criteria: Ambry Variant Classification Scheme 2023. Collection method: clinical testing. Allele origin: germline.
Comment: The p.R946H variant (also known as c.2837G>A), located in coding exon 15 of the SCN1A gene, results from a G to A substitution at nucleotide position 2837. The arginine at codon 946 is replaced by histidine, an amino acid with highly similar properties. This variant was identified in multiple individuals with seizure disorders, including Dravet syndrome, severe myoclonic epilepsy in infancy, and generalized epilepsy with febrile seizures plus (GEFS+), occurring both de novo as well as inherited (Harkin LA et al. Brain, 2007 Mar;130:843-52; Depienne C et al. J. Med. Genet., 2009 Mar;46:183-91; Liao WP et al. Epilepsia, 2010 Sep;51:1669-78; Zuberi SM et al. Neurology, 2011 Feb;76:594-600; Verbeek NE et al. Epilepsia, 2011 Apr;52:e23-5; Volkers L et al. Eur. J. Neurosci., 2011 Oct;34:1268-75; Wang JW et al. Epilepsy Res., 2012 Dec;102:195-200; M&oslash;ller RS et al. Mol Syndromol, 2016 Sep;7:210-219). In addition, when transfected into tsA201 cells, this variant demonstrated no measurable sodium currents when expressed heterologously with the recombinant human accessory sodium channel subunits &beta;1 and &beta;2 (Liao WP et al. Epilepsia, 2010 Sep;51:1669-78; Volkers L et al. Eur. J. Neurosci., 2011 Oct;34:1268-75). This amino acid position is highly conserved in available vertebrate species. In addition, this alteration is predicted to be deleterious by in silico analysis. Based on the majority of available evidence to date, this variant is likely to be pathogenic.

NM_001165963.4(SCN1A):c.2837G>A (p.Arg946His)

Gene: SCN1A (sodium voltage-gated channel alpha subunit 1; minus strand). Cytogenetic location: 2q24.3.
Variant type: single nucleotide variant.
Coding change: c.2837G>A on transcript NM_001165963.4 (MANE Select); coding-DNA position 2837, G replaced by A.
Protein change: p.Arg946His; replaces arginine 946 with histidine.
Molecular consequence: missense variant. On other transcripts: non-coding transcript variant (1).
Genome position (GRCh38, 1-based): chr2:166,037,885, C>T on the plus strand (G>A on the coding strand, the complement: SCN1A is on the minus strand). VCF-style: chr2-166037885-C-T. GRCh37 (hg19) VCF-style: chr2-166894395-C-T.
Other names: c.2753G>A, p.Arg918His (NM_001165964.3, NM_001353957.2, NM_001353958.2); c.2837G>A, p.Arg946His (NM_001202435.3, NM_001353948.2); c.2804G>A, p.Arg935His (NM_001353949.2, NM_001353950.2, NM_001353951.2 and 2 more transcripts); c.2801G>A, p.Arg934His (NM_001353954.2, NM_001353955.2); c.2750G>A, p.Arg917His (NM_001353960.2); c.395G>A, p.Arg132His (NM_001353961.2); c.2837G>A (NM_001165963.3); short protein forms R935H, R946H, R132H, R934H, R917H, R918H.
Identifiers: ClinVar variation 68523 (VCV000068523.66), dbSNP rs121917971, ClinGen allele CA284910.
Genomic context (GRCh38, chr2:166,037,885, plus strand): 5'-GCTTGACCAGCAACCTCCATACAGTCCCACATGGTCTCTATCCACTCCCCACACAGCACG[C>T]GGAACACAATCAGGAAGGAGTGGAAGAAGTCATTCATGTGCCAGCGTGGGAGTTGACAAT-3'
Protein context (NP_001159435.1, residues 936-956): DFFHSFLIVF[Arg946His]VLCGEWIETM